The following is an entry in ClinVar:

NM_002439.5(MSH3):c.2992_2993del (p.Ile998fs)

Gene: MSH3 (mutS homolog 3; plus strand). Cytogenetic location: 5q14.1.
Variant type: Deletion.
Coding change: c.2992_2993del on transcript NM_002439.5 (MANE Select); coding-DNA positions 2992 to 2993, 2 bases deleted (AT; older notation c.2992_2993delAT).
Protein change: p.Ile998fs; shifts the reading frame from isoleucine 998.
Molecular consequence: frameshift variant.
Genome position (GRCh38, 1-based): chr5:80,854,308-80,854,309, AT deleted. VCF-style (leftmost placement, unchanged base first): chr5-80854307-CAT-C. GRCh37 (hg19) VCF-style: chr5-80150126-CAT-C.
Other names: short protein forms I998fs.
Identifiers: ClinVar variation 1454989 (VCV001454989.6), dbSNP rs2112106687, ClinGen allele CA2573139949.
Genomic context (GRCh38, chr5:80,854,307, plus strand): 5'-AGGAAGAGGGACGAGCACTCATGATGGAATTGCCATTGCCTATGCTACACTTGAGTATTT[CAT>C]CAGAGATGTAAGTATCCGGTAAACTGTATTTAAAAAGAAATTAATTTGTAAATTATTATT-3'

ClinVar aggregate classification (germline): Pathogenic (1 of 4 stars; one submission).

Submission:

Labcorp Genetics (formerly Invitae), Labcorp
Classification: Pathogenic. Last evaluated: 2025-12-09. Review status: criteria provided, single submitter. Criteria: Invitae Variant Classification Sherloc (09022015). Collection method: clinical testing. Allele origin: germline.
Comment: This sequence change creates a premature translational stop signal (p.Ile998Glnfs*18) in the MSH3 gene. It is expected to result in an absent or disrupted protein product. Loss-of-function variants in MSH3 are known to be pathogenic (PMID: 27476653, 37402566). This variant is not present in population databases (gnomAD no frequency). This variant has not been reported in the literature in individuals affected with MSH3-related conditions. ClinVar contains an entry for this variant (Variation ID: 1454989). For these reasons, this variant has been classified as Pathogenic.

Literature cited by the submitters: PubMed 27476653; PubMed 37402566.